The following is an entry in ClinVar:

NM_020754.4(ARHGAP31):c.3069G>A (p.Lys1023=)

Gene: ARHGAP31 (Rho GTPase activating protein 31; plus strand). Cytogenetic location: 3q13.33.
Variant type: single nucleotide variant.
Coding change: c.3069G>A on transcript NM_020754.4 (MANE Select); coding-DNA position 3069, G replaced by A.
Protein change: p.Lys1023=; no amino-acid change (lysine 1023 retained).
Molecular consequence: synonymous variant.
Genome position (GRCh38, 1-based): chr3:119,414,998, G>A. VCF-style: chr3-119414998-G-A. GRCh37 (hg19) VCF-style: chr3-119133845-G-A.
Identifiers: ClinVar variation 723004 (VCV000723004.11), dbSNP rs372951577, ClinGen allele CA2554143.
Genomic context (GRCh38, chr3:119,414,998, plus strand): 5'-CCTGAGGTCCTTCAGAGAGTTCTCTGGCCTGAAAGGGGCAGAGGCTCCTCCCAACCAGAA[G>A]GGACCAAGTGGTGTGCAACCCAACCCAGCAGAAACCAGCCCCATCAGCCTAGCAGAGGGA-3'
Protein context (NP_065805.2, residues 1013-1033): LKGAEAPPNQ[Lys1023=]GPSGVQPNPA

ClinVar aggregate classification (germline): Likely benign. Review status: criteria provided, multiple submitters, no conflicts (2 of 4 stars). 2 submissions from 2 submitters: Likely benign (2). Last evaluated 2026-08-24.

Conditions:
ARHGAP31-related disorder. Also called: ARHGAP31-related condition.

Allele frequency attached by ClinVar (database versions not stated): ExAC 0.00014; gnomAD exomes 0.00016; gnomAD 0.00021 and 0.00022; ESP Exome Variant Server 0.00032; TOPMed 0.00035; 1000 Genomes Project 30x 0.00047; 1000 Genomes Project 0.00060.
gnomAD v4.1: 155 of 1,614,178 alleles (0.0096%); highest among the groups gnomAD compares: Middle Eastern, 0.099%; no homozygotes.

Submissions (2):

PreventionGenetics, part of Exact Sciences
Classification: Likely benign for ARHGAP31-related condition. Last evaluated: 2026-08-24. Review status: criteria provided, single submitter. Criteria: ACMG Guidelines, 2015. Collection method: clinical testing. Allele origin: germline.
Comment: This variant is classified as likely benign based on ACMG/AMP sequence variant interpretation guidelines (Richards et al. 2015 PMID: 25741868, with internal and published modifications).

Labcorp Genetics (formerly Invitae), Labcorp
Classification: Likely benign. Last evaluated: 2026-02-02. Review status: criteria provided, single submitter. Criteria: Invitae Variant Classification Sherloc (09022015). Collection method: clinical testing. Allele origin: germline.